The following is an entry in ClinVar:

ClinVar aggregate classification (germline): Uncertain significance (1 of 4 stars; one submission).

Conditions:
Autosomal dominant nonsyndromic hearing loss 1. Also called: KONIGSMARK SYNDROME; DEAFNESS, AUTOSOMAL DOMINANT 1, WITH OR WITHOUT THROMBOCYTOPENIA. Identifiers: Orphanet 90635, MedGen C1852282, MONDO:0007424, OMIM 124900.
Progressive microcephaly-seizures-cortical blindness-developmental delay syndrome. Also called: Seizures, cortical blindness, and microcephaly syndrome. Identifiers: Orphanet 477814, MedGen C5567650, MONDO:0014714, OMIM 616632.

Submission:

Labcorp Genetics (formerly Invitae), Labcorp
Classification: Uncertain significance for Progressive microcephaly-seizures-cortical blindness-developmental delay syndrome; Autosomal dominant nonsyndromic hearing loss 1. Last evaluated: 2021-08-27. Review status: criteria provided, single submitter. Criteria: Invitae Variant Classification Sherloc (09022015). Collection method: clinical testing. Allele origin: germline.
Comment: This sequence change replaces arginine with isoleucine at codon 335 of the DIAPH1 protein (p.Arg335Ile). The arginine residue is moderately conserved and there is a moderate physicochemical difference between arginine and isoleucine. This variant is not present in population databases (ExAC no frequency). This variant has not been reported in the literature in individuals affected with DIAPH1-related conditions. Algorithms developed to predict the effect of missense changes on protein structure and function are either unavailable or do not agree on the potential impact of this missense change (SIFT: "Deleterious"; PolyPhen-2: "Not Available"; Align-GVGD: "Class C0"). In summary, the available evidence is currently insufficient to determine the role of this variant in disease. Therefore, it has been classified as a Variant of Uncertain Significance.

NM_005219.5(DIAPH1):c.1004G>T (p.Arg335Ile)

Gene: DIAPH1 (diaphanous related formin 1; minus strand). Cytogenetic location: 5q31.3.
Variant type: single nucleotide variant.
Coding change: c.1004G>T on transcript NM_005219.5 (MANE Select); coding-DNA position 1004, G replaced by T.
Protein change: p.Arg335Ile; replaces arginine 335 with isoleucine.
Molecular consequence: missense variant.
Genome position (GRCh38, 1-based): chr5:141,578,555, C>A on the plus strand (G>T on the coding strand, the complement: DIAPH1 is on the minus strand). VCF-style: chr5-141578555-C-A. GRCh37 (hg19) VCF-style: chr5-140958122-C-A.
Other names: c.977G>T, p.Arg326Ile (NM_001079812.3); c.1004G>T, p.Arg335Ile (NM_001314007.2); short protein forms R326I, R335I.
Identifiers: ClinVar variation 1000092 (VCV001000092.6), dbSNP rs2099896282, ClinGen allele CA361532401.